The following is an entry in ClinVar:

NM_152384.3(BBS5):c.709del (p.Lys236_Ile237insTer)

Gene: BBS5 (Bardet-Biedl syndrome 5; plus strand). Cytogenetic location: 2q31.1.
Variant type: Deletion.
Coding change: c.709del on transcript NM_152384.3 (MANE Select); coding-DNA position 709, one base deleted (A; older notation c.709delA).
Protein change: p.Lys236_Ile237insTer.
Molecular consequence: nonsense.
Genome position (GRCh38, 1-based): chr2:169,499,513, A deleted; the last of 4 consecutive A bases (chr2:169,499,510-169,499,513); deleting any one gives the same sequence. VCF-style (leftmost placement, unchanged base first): chr2-169499509-TA-T. GRCh37 (hg19) VCF-style: chr2-170356019-TA-T.
Identifiers: ClinVar variation 1033147 (VCV001033147.6), dbSNP rs1471916487, ClinGen allele CA760504053.
Genomic context (GRCh38, chr2:169,499,509, plus strand): 5'-CTTGTTGGGTTTTTTTTTATTATTTTTTCTCTTGTAGAGTGGTGGATATGTTCTTGGCTT[TA>T]AAATAGATCCTGTGGAAAAACTACAAGAATCAGTTAAGGAAATCAATTCACTTCACAAAG-3'

ClinVar aggregate classification (germline): Pathogenic/Likely pathogenic. Review status: criteria provided, multiple submitters, no conflicts (2 of 4 stars). 3 submissions from 3 submitters: Pathogenic (2); Likely pathogenic (1). Last evaluated 2024-11-27.

Conditions:
BBS5-related disorder. Also called: BBS5-related condition.
Bardet-Biedl syndrome (BBS). Identifiers: Orphanet 110, MedGen C0752166, MONDO:0015229.
Bardet-Biedl syndrome 5 (BBS5). Identifiers: Orphanet 110, MedGen C3892039, MONDO:0014434, OMIM 615983.

Submissions (3):

PreventionGenetics, part of Exact Sciences
Classification: Likely pathogenic for BBS5-related condition. Last evaluated: 2024-11-27. Review status: criteria provided, single submitter. Criteria: ACMG Guidelines, 2015. Collection method: clinical testing. Allele origin: germline.
Comment: The BBS5 c.709delA variant is predicted to result in premature protein termination (p.Ile237*). To our knowledge, this variant has not been reported in the literature or in a large population database (gnomAD), indicating this variant is rare. Nonsense variants in BBS5 are expected to be pathogenic. This variant is interpreted as likely pathogenic.

Labcorp Genetics (formerly Invitae), Labcorp
Classification: Pathogenic for Bardet-Biedl syndrome. Last evaluated: 2023-10-30. Review status: criteria provided, single submitter. Criteria: Invitae Variant Classification Sherloc (09022015). Collection method: clinical testing. Allele origin: germline.
Comment: This sequence change creates a premature translational stop signal (p.Ile237*) in the BBS5 gene. It is expected to result in an absent or disrupted protein product. Loss-of-function variants in BBS5 are known to be pathogenic (PMID: 15137946, 16877420, 26325687, 27708425, 28041643, 29806606). This variant is not present in population databases (gnomAD no frequency). This variant has not been reported in the literature in individuals affected with BBS5-related conditions. ClinVar contains an entry for this variant (Variation ID: 1033147). For these reasons, this variant has been classified as Pathogenic.

Baylor Genetics
Classification: Pathogenic for Bardet-Biedl syndrome 5. Last evaluated: 2018-05-14. Review status: criteria provided, single submitter. Criteria: ACMG Guidelines, 2015. Collection method: clinical testing. Allele origin: maternal. Affected: yes.
Comment: This variant was determined to be pathogenic according to ACMG Guidelines, 2015 [PMID:25741868].

Literature cited by the submitters: PubMed 15137946 (cited by Labcorp Genetics (formerly Invitae), Labcorp); PubMed 16877420 (cited by Labcorp Genetics (formerly Invitae), Labcorp); PubMed 26325687 (cited by Labcorp Genetics (formerly Invitae), Labcorp); PubMed 27708425 (cited by Labcorp Genetics (formerly Invitae), Labcorp); PubMed 28041643 (cited by Labcorp Genetics (formerly Invitae), Labcorp); PubMed 29806606 (cited by Labcorp Genetics (formerly Invitae), Labcorp).